The following is an entry in ClinVar:

ClinVar aggregate classification (germline): Uncertain significance. Review status: criteria provided, single submitter (1 of 4 stars). 2 submissions from 2 submitters: Uncertain significance (1). 1 of the submissions does not count toward it. Last evaluated 2024-05-23.

Conditions:
Van Maldergem syndrome 2 (VMLDS2). Identifiers: Orphanet 314679, MedGen C3809875, MONDO:0014242, OMIM 615546.
Hennekam lymphangiectasia-lymphedema syndrome 2 (HKLLS2). Identifiers: Orphanet 2136, MedGen C4014939, MONDO:0014454, OMIM 616006.
FAT4-related disorder. Also called: FAT4-related condition.

Submissions (2):

Fulgent Genetics
Classification: Uncertain significance for Van Maldergem syndrome 2; Hennekam lymphangiectasia-lymphedema syndrome 2. Last evaluated: 2024-05-23. Review status: criteria provided, single submitter. Criteria: ACMG Guidelines, 2015. Collection method: clinical testing. Allele origin: germline.

PreventionGenetics, part of Exact Sciences
Classification: Uncertain significance for FAT4-related condition. Last evaluated: 2024-07-13. Review status: no assertion criteria provided. Collection method: clinical testing. Allele origin: germline. Not counted in ClinVar's aggregate classification.
Comment: The FAT4 c.4447G>C variant is predicted to result in the amino acid substitution p.Glu1483Gln. To our knowledge, this variant has not been reported in the literature. This variant is reported in 0.0027% of alleles in individuals of European (Non-Finnish) descent in gnomAD. At this time, the clinical significance of this variant is uncertain due to the absence of conclusive functional and genetic evidence.

NM_001291303.3(FAT4):c.4447G>C (p.Glu1483Gln)

Gene: FAT4 (FAT atypical cadherin 4; plus strand). Cytogenetic location: 4q28.1.
Variant type: single nucleotide variant.
Coding change: c.4447G>C on transcript NM_001291303.3 (MANE Select); coding-DNA position 4447, G replaced by C.
Protein change: p.Glu1483Gln; replaces glutamic acid 1483 with glutamine.
Molecular consequence: missense variant.
Genome position (GRCh38, 1-based): chr4:125,320,858, G>C. VCF-style: chr4-125320858-G-C. GRCh37 (hg19) VCF-style: chr4-126242013-G-C.
Other names: c.4447G>C, p.Glu1483Gln (NM_001291285.3, NM_024582.6); c.4447G>C (NM_024582.5); short protein forms E1483Q.
Identifiers: ClinVar variation 3355342 (VCV003355342.2).